The following is an entry in ClinVar:

NM_001384474.1(LOXHD1):c.6373dup (p.Leu2125fs)

Gene: LOXHD1 (lipoxygenase homology PLAT domains 1; minus strand). Cytogenetic location: 18q21.1.
Variant type: Duplication.
Coding change: c.6373dup on transcript NM_001384474.1 (MANE Select); coding-DNA position 6373, one base duplicated (C; older notation c.6373dupC).
Protein change: p.Leu2125fs; shifts the reading frame from leucine 2125.
Molecular consequence: frameshift variant.
Genome position (GRCh38, 1-based): chr18:46,477,921, G duplicated on the plus strand (C on the coding strand, the reverse complement: LOXHD1 is on the minus strand); the first of 5 consecutive G bases (chr18:46,477,921-46,477,925); duplicating any one gives the same sequence. VCF-style (leftmost placement, unchanged base first): chr18-46477920-A-AG. GRCh37 (hg19) VCF-style: chr18-44057883-A-AG.
Other names: c.3040dup, p.Leu1014fs (NM_001145472.3); c.1090dup, p.Leu364fs (NM_001145473.3, NM_001173129.2); c.2752dup, p.Leu918fs (NM_001308013.2); c.6187dup, p.Leu2063fs (NM_144612.7); short protein forms L1014fs, L2125fs, L364fs, L918fs, L2063fs.
Identifiers: ClinVar variation 2751295 (VCV002751295.3), dbSNP rs2511335336, ClinGen allele CA2697555473.

ClinVar aggregate classification (germline): Pathogenic (1 of 4 stars; one submission).

Submission:

Labcorp Genetics (formerly Invitae), Labcorp
Classification: Pathogenic. Last evaluated: 2023-08-08. Review status: criteria provided, single submitter. Criteria: Invitae Variant Classification Sherloc (09022015). Collection method: clinical testing. Allele origin: germline.
Comment: This sequence change creates a premature translational stop signal (p.Leu2063Profs*41) in the LOXHD1 gene. While this is not anticipated to result in nonsense mediated decay, it is expected to disrupt the last 149 amino acid(s) of the LOXHD1 protein. For these reasons, this variant has been classified as Pathogenic. This variant disrupts a region of the LOXHD1 protein in which other variant(s) (p.Thr2123Argfs*30) have been determined to be pathogenic (PMID: 34171171; Invitae). This suggests that this is a clinically significant region of the protein, and that variants that disrupt it are likely to be disease-causing. This variant has not been reported in the literature in individuals affected with LOXHD1-related conditions. This variant is not present in population databases (gnomAD no frequency).

Literature cited by the submitters: PubMed 34171171.